The following is an entry in ClinVar:

NM_000091.5(COL4A3):c.685C>T (p.Arg229Trp)

Genes: COL4A3 (collagen type IV alpha 3 chain; plus strand), MFF-DT (MFF divergent transcript; minus strand). Cytogenetic location: 2q36.3.
Variant type: single nucleotide variant.
Coding change: c.685C>T on transcript NM_000091.5 (MANE Select); coding-DNA position 685, C replaced by T.
Protein change: p.Arg229Trp; replaces arginine 229 with tryptophan.
Molecular consequence: missense variant.
Genome position (GRCh38, 1-based): chr2:227,253,335, C>T. VCF-style: chr2-227253335-C-T. GRCh37 (hg19) VCF-style: chr2-228118051-C-T.
Other names: short protein forms R229W.
Identifiers: ClinVar variation 1025386 (VCV001025386.14), dbSNP rs759074046, ClinGen allele CA2146263.

ClinVar aggregate classification (germline): Uncertain significance. Review status: criteria provided, multiple submitters, no conflicts (2 of 4 stars). 8 submissions from 8 submitters: Uncertain significance (7). 1 of the submissions does not count toward it. Last evaluated 2025-11-04.

Conditions:
COL4A3-related disorder. Also called: COL4A3-Related Disorders; COL4A3-related condition.
Autosomal dominant Alport syndrome (ATS3A). Also called: Alport syndrome dominant type; Renal failure and sensorineural hearing loss; ALPORT SYNDROME 3A, AUTOSOMAL DOMINANT. Identifiers: Orphanet 63, Orphanet 88918, MedGen C5882663, MONDO:0007086, OMIM 104200.
Alport syndrome 3b, autosomal recessive. Identifiers: MedGen C5882699, MONDO:0957811, OMIM 620536.
Hematuria, benign familial, 2 (BFH2). Identifiers: MedGen C5830421, MONDO:0958186, OMIM 620320.
Alport syndrome. Also called: Hemorrhagic familial nephritis; Hemorrhagic hereditary nephritis; Congenital hereditary hematuria. Identifiers: Orphanet 63, MedGen C1567741, MONDO:0018965.

Allele frequency attached by ClinVar (database versions not stated): ExAC 0.00003; gnomAD exomes 0.00005; gnomAD 0.00010 and 0.00011; TOPMed 0.00014.
gnomAD v4.1: 75 of 1,613,252 alleles (0.0046%); highest among the groups gnomAD compares: African/African-American, 0.033%; no homozygotes.

Submissions (8):

PreventionGenetics, part of Exact Sciences
Classification: Uncertain significance for COL4A3-related condition. Last evaluated: 2025-11-04. Review status: criteria provided, single submitter. Criteria: ACMG Guidelines, 2015. Collection method: clinical testing. Allele origin: germline.
Comment: The COL4A3 c.685C>T variant is predicted to result in the amino acid substitution p.Arg229Trp. This variant has been reported in an individual with nephrosclerosis (Supplementary Table, Popp et al. 2022. PubMed ID: 36100708). It was also reported in an individual with atrioventricular nodal reentrant tachycardia (AVNRT), although it should be noted that a gene-disease relationship has not been established between COL4A3 and AVNRT (Luo et al. 2020. PubMed ID: 32508047). This variant is reported in 0.021% of alleles in individuals of African descent in gnomAD. At this time, the clinical significance of this variant is uncertain due to the absence of conclusive functional and genetic evidence.

Labcorp Genetics (formerly Invitae), Labcorp
Classification: Uncertain significance. Last evaluated: 2025-06-12. Review status: criteria provided, single submitter. Criteria: Invitae Variant Classification Sherloc (09022015). Collection method: clinical testing. Allele origin: germline.
Comment: This sequence change replaces arginine, which is basic and polar, with tryptophan, which is neutral and slightly polar, at codon 229 of the COL4A3 protein (p.Arg229Trp). This variant is present in population databases (rs759074046, gnomAD 0.02%). This missense change has been observed in individual(s) with clinical features of COL4A3-related conditions (PMID: 36100708). ClinVar contains an entry for this variant (Variation ID: 1025386). An algorithm developed to predict the effect of missense changes on protein structure and function (PolyPhen-2) suggests that this variant is likely to be disruptive. Algorithms developed to predict the effect of sequence changes on RNA splicing suggest that this variant may disrupt the consensus splice site. In summary, the available evidence is currently insufficient to determine the role of this variant in disease. Therefore, it has been classified as a Variant of Uncertain Significance.

Women's Health and Genetics/Laboratory Corporation of America, LabCorp
Classification: Uncertain significance. Last evaluated: 2024-08-07. Review status: criteria provided, single submitter. Criteria: LabCorp Variant Classification Summary - May 2015. Collection method: clinical testing. Allele origin: germline.
Comment: Variant summary: COL4A3 c.685C>T (p.Arg229Trp) results in a non-conservative amino acid change in the encoded protein sequence. Four of five in-silico tools predict a damaging effect of the variant on protein function. The variant is located close to a splice-site: consensus agreement among computation tools predicts no significant impact on normal splicing. However, these predictions have yet to be confirmed by functional studies. The variant allele was found at a frequency of 4.8e-05 in 249334 control chromosomes. This frequency is not significantly higher than estimated for a pathogenic variant in COL4A3 causing Alport Syndrome, Autosomal Recessive (0.0014), allowing no conclusion about variant significance. c.685C>T has been reported in the literature in heterozygous state in an individual diagnosed with nephrosclerosis (Popp_2022), who also carried a heterozygous (likely) pathogenic variant in the NPHP3 gene. This report does not provide unequivocal conclusions about association of the variant with Alport Syndrome, Autosomal Recessive. To our knowledge, no experimental evidence demonstrating an impact on protein function has been reported. The following publication have been ascertained in the context of this evaluation (PMID: 36100708). ClinVar contains an entry for this variant (Variation ID: 1025386). Based on the evidence outlined above, the variant was classified as uncertain significance.

Blueprint Genetics
Classification: Uncertain significance. Last evaluated: 2024-07-30. Review status: criteria provided, single submitter. Criteria: ACMG Guidelines, 2015. Collection method: clinical testing. Allele origin: germline.

GeneDx
Classification: Uncertain significance. Last evaluated: 2024-06-27. Review status: criteria provided, single submitter. Criteria: GeneDx Variant Classification Process June 2021. Collection method: clinical testing. Allele origin: germline. Affected: yes.
Comment: Identified in a patient belonging to a chronic kidney disease cohort and who harbored a second variant in an additional gene in published literature (PMID: 36100708); In silico analysis supports that this missense variant has a deleterious effect on protein structure/function; In silico analysis supports a deleterious effect on splicing; Occurs in the triple helical domain at the Y position in the canonical Gly-X-Y repeat; although this variant may have an effect on normal protein folding and function, missense substitution at the Y position is not a common mechanism of disease; This variant is associated with the following publications: (PMID: 32508047, 36100708)

Fulgent Genetics
Classification: Uncertain significance for Autosomal dominant Alport syndrome; Hematuria, benign familial, 2; Alport syndrome 3b, autosomal recessive. Last evaluated: 2024-03-20. Review status: criteria provided, single submitter. Criteria: ACMG Guidelines, 2015. Collection method: clinical testing. Allele origin: germline.

ARUP Laboratories, Molecular Genetics and Genomics, ARUP Laboratories
Classification: Uncertain significance. Last evaluated: 2023-08-08. Review status: criteria provided, single submitter. Criteria: ARUP Molecular Germline Variant Investigation Process 2024. Collection method: clinical testing. Allele origin: germline.
Comment: The COL4A3 c.685C>T; p.Arg229Trp variant (rs759074046) is reported in an individual with atrioventricular nodal reentry tachycardia (Luo 2020), and in an individual with nephrosclerosis who also carried a variant in the NPHP3 gene (Popp 2022). The p.Arg229Trp variant is reported in ClinVar (Variation ID: 1025386). It is observed in the general population with an overall allele frequency of 0.005% (15/280702 alleles) in the Genome Aggregation Database. Computational analyses are uncertain whether this variant is neutral or deleterious (REVEL: 0.298). Due to limited information, the clinical significance of this variant is uncertain at this time. References: Luo R et al. Identification of potential candidate genes and pathways in atrioventricular nodal reentry tachycardia by whole-exome sequencing. Clin Transl Med. 2020 Jan;10(1):238-257. PMID: 32508047. Popp B et al. Prevalence of hereditary tubulointerstitial kidney diseases in the German Chronic Kidney Disease study. Eur J Hum Genet. 2022 Dec;30(12):1413-1422. PMID: 36100708.

Natera, Inc.
Classification: Uncertain significance for Alport syndrome. Last evaluated: 2020-02-06. Review status: no assertion criteria provided. Collection method: clinical testing. Allele origin: germline. Not counted in ClinVar's aggregate classification.

Literature cited by the submitters: PubMed 36100708 (cited by Labcorp Genetics (formerly Invitae), Labcorp and Women's Health and Genetics/Laboratory Corporation of America, LabCorp).